The following is an entry in ClinVar:

NM_015311.3(OBSL1):c.5300G>A (p.Arg1767Gln)

Gene: OBSL1 (obscurin like cytoskeletal adaptor 1; minus strand). Cytogenetic location: 2q35.
Variant type: single nucleotide variant.
Coding change: c.5300G>A on transcript NM_015311.3 (MANE Select); coding-DNA position 5300, G replaced by A.
Protein change: p.Arg1767Gln; replaces arginine 1767 with glutamine.
Molecular consequence: missense variant.
Genome position (GRCh38, 1-based): chr2:219,552,544, C>T on the plus strand (G>A on the coding strand, the complement: OBSL1 is on the minus strand). VCF-style: chr2-219552544-C-T. GRCh37 (hg19) VCF-style: chr2-220417266-C-T.
Other names: short protein forms R1767Q.
Identifiers: ClinVar variation 288014 (VCV000288014.28), dbSNP rs59332477, ClinGen allele CA2130303.

ClinVar aggregate classification (germline): Benign/Likely benign. Review status: criteria provided, multiple submitters, no conflicts (2 of 4 stars). 11 submissions from 11 submitters: Benign (8); Likely benign (1). 2 of the submissions do not count toward it. Last evaluated 2026-05-08.

Conditions:
3M syndrome 2. Also called: THREE M SYNDROME 2; 3-M Syndrome, OBSL1-Related. Identifiers: Orphanet 2616, MedGen C2752041, MONDO:0013039, OMIM 612921.

Allele frequency attached by ClinVar (database versions not stated): 1000 Genomes Project 0.37660; 1000 Genomes Project 30x 0.38210; ESP Exome Variant Server 0.42003; TOPMed 0.42974; gnomAD exomes 0.43062 and 0.44733; gnomAD 0.43232 and 0.43789; ExAC 0.46833.
gnomAD v4.1: 709,582 of 1,594,548 alleles (45%); highest among the groups gnomAD compares: Admixed American, 52%; 161,184 homozygotes.

Submissions (11):

Women's Health and Genetics/Laboratory Corporation of America, LabCorp
Classification: Likely benign. Last evaluated: 2026-05-08. Review status: criteria provided, single submitter. Criteria: LabCorp Variant Classification Summary - May 2015. Collection method: clinical testing. Allele origin: germline.

Labcorp Genetics (formerly Invitae), Labcorp
Classification: Benign. Last evaluated: 2026-02-04. Review status: criteria provided, single submitter. Criteria: Invitae Variant Classification Sherloc (09022015). Collection method: clinical testing. Allele origin: germline.

Blueprint Genetics
Classification: Benign. Last evaluated: 2024-11-26. Review status: criteria provided, single submitter. Criteria: ACMG Guidelines, 2015. Collection method: clinical testing. Allele origin: germline.

Genome-Nilou Lab
Classification: Benign for 3M syndrome 2. Last evaluated: 2021-09-05. Review status: criteria provided, single submitter. Criteria: ACMG Guidelines, 2015. Collection method: clinical testing. Allele origin: germline. Affected: no.

GeneDx
Classification: Benign. Last evaluated: 2021-06-09. Review status: criteria provided, single submitter. Criteria: GeneDx Variant Classification Process June 2021. Collection method: clinical testing. Allele origin: germline. Affected: yes.

Mendelics
Classification: Benign for 3M syndrome 2. Last evaluated: 2019-05-28. Review status: criteria provided, single submitter. Criteria: Mendelics Assertion Criteria 2017. Collection method: clinical testing. Allele origin: unknown.

Illumina Laboratory Services, Illumina
Classification: Benign for 3M syndrome 2. Last evaluated: 2018-01-12. Review status: criteria provided, single submitter. Criteria: ICSL Variant Classification Criteria 13 December 2019. Collection method: clinical testing. Allele origin: germline.
Comment: This variant was observed in the ICSL laboratory as part of a predisposition screen in an ostensibly healthy population. It had not been previously curated by ICSL or reported in the Human Gene Mutation Database (HGMD: prior to June 1st, 2018), and was therefore a candidate for classification through an automated scoring system. Utilizing variant allele frequency, disease prevalence and penetrance estimates, and inheritance mode, an automated score was calculated to assess if this variant is too frequent to cause the disease. Based on the score and internal cut-off values, a variant classified as benign is not then subjected to further curation. The score for this variant resulted in a classification of benign for this disease.

Eurofins Ntd Llc (ga)
Classification: Benign. Last evaluated: 2016-06-01. Review status: criteria provided, single submitter. Criteria: EGL Classification Definitions 2015. Collection method: clinical testing. Allele origin: germline. Observed: 10 variant alleles, 4 heterozygotes, 6 homozygotes.

Breakthrough Genomics
Classification: Benign. Review status: criteria provided, single submitter. Criteria: ACMG Guidelines, 2015. Collection method: not provided. Allele origin: germline. Inheritance: Autosomal recessive inheritance. Affected: yes.

Diagnostic Laboratory, Department of Genetics, University Medical Center Groningen
Classification: Benign. Review status: no assertion criteria provided. Collection method: clinical testing. Allele origin: germline. Affected: yes. Study: VKGL Data-share Consensus. Not counted in ClinVar's aggregate classification.

Joint Genome Diagnostic Labs from Nijmegen and Maastricht, Radboudumc and MUMC+
Classification: Benign. Review status: no assertion criteria provided. Collection method: clinical testing. Allele origin: germline. Affected: yes. Study: VKGL Data-share Consensus. Not counted in ClinVar's aggregate classification.